The following is an entry in ClinVar:

ClinVar aggregate classification (germline): Uncertain significance (1 of 4 stars; one submission).

Submission:

Ambry Genetics
Classification: Uncertain significance. Last evaluated: 2025-10-03. Review status: criteria provided, single submitter. Criteria: Ambry Variant Classification Scheme 2023. Collection method: clinical testing. Allele origin: germline.
Comment: The p.P486S variant (also known as c.1456C>T), located in coding exon 8 of the PALLD gene, results from a C to T substitution at nucleotide position 1456. The proline at codon 486 is replaced by serine, an amino acid with similar properties. This amino acid position is conserved. In addition, the in silico prediction for this alteration is inconclusive. Based on the available evidence, the clinical significance of this variant remains unclear.

NM_001166108.2(PALLD):c.2968C>T (p.Pro990Ser)

Genes: CBR4 (carbonyl reductase 4; minus strand), PALLD (palladin, cytoskeletal associated protein; plus strand). Cytogenetic location: 4q32.3.
Variant type: single nucleotide variant.
Coding change: c.2968C>T on transcript NM_001166108.2 (MANE Select); coding-DNA position 2968, C replaced by T.
Protein change: p.Pro990Ser; replaces proline 990 with serine.
Molecular consequence: missense variant.
Genome position (GRCh38, 1-based): chr4:168,921,651, C>T. VCF-style: chr4-168921651-C-T. GRCh37 (hg19) VCF-style: chr4-169842802-C-T.
Other names: c.1771C>T, p.Pro591Ser (NM_001166109.2); c.1456C>T, p.Pro486Ser (NM_001166110.2); c.796C>T, p.Pro266Ser (NM_001367567.1, NM_001367569.1); c.847C>T, p.Pro283Ser (NM_001367568.1, NM_001367570.1); c.2917C>T, p.Pro973Ser (NM_016081.4); short protein forms P266S, P283S, P486S, P973S, P591S, P990S.
Identifiers: ClinVar variation 4564152 (VCV004564152.1).